The following is an entry in ClinVar:

NM_001371928.1(AHDC1):c.2424_2425dup (p.Gly809fs)

Gene: AHDC1 (AT-hook DNA binding motif containing 1; minus strand). Cytogenetic location: 1p36.11.
Variant type: Duplication.
Coding change: c.2424_2425dup on transcript NM_001371928.1 (MANE Select); coding-DNA positions 2424 to 2425, 2 bases duplicated (TG; older notation c.2424_2425dupTG).
Protein change: p.Gly809fs; shifts the reading frame from glycine 809.
Molecular consequence: frameshift variant.
Genome position (GRCh38, 1-based): chr1:27,549,691-27,549,692, CA duplicated on the plus strand (TG on the coding strand, the reverse complement: AHDC1 is on the minus strand); duplicating any 2 consecutive bases within chr1:27,549,691-27,549,693 gives the same sequence; the c. name uses the placement nearest the transcript's 3' end. VCF-style (leftmost placement, unchanged base first): chr1-27549690-C-CCA. GRCh37 (hg19) VCF-style: chr1-27876201-C-CCA.
Other names: c.2424_2425dup, p.Gly809fs (NM_001029882.3); short protein forms G809fs.
Identifiers: ClinVar variation 1064444 (VCV001064444.2), dbSNP rs2148277610, ClinGen allele CA2499214685.
Genomic context (GRCh38, chr1:27,549,690, plus strand): 5'-CTGAGCTCGGTCTGGCCTGAGGGTGCACCCGTGCTGTAGTAGCTGCCACGGCCTGAGGCT[C>CCA]CACTCTCCAGCCCAGTGGAGGCAAAGGCCCGGGCCTCGGTCCCCTGAAACCCACAGTTTC-3'

ClinVar aggregate classification (germline): Pathogenic (0 of 4 stars; one submission).

Conditions:
AHDC1-related intellectual disability - obstructive sleep apnea - mild dysmorphism syndrome. Also called: Xia-Gibbs syndrome. Identifiers: Orphanet 412069, MedGen C4014419, MONDO:0014358, OMIM 615829.

Submission:

Genetics and Personalized Medicine, Danish Epilepsy Center
Classification: Pathogenic for AHDC1-related intellectual disability - obstructive sleep apnea - mild dysmorphism syndrome. Last evaluated: 2021-04-07. Review status: no assertion criteria provided. Collection method: clinical testing. Allele origin: de novo. Inheritance: Autosomal dominant inheritance. Affected: yes. Observed: 1 variant allele, 1 heterozygote.
Comment: Truncating AHDC1-variants are known to cause Xia-Gibbs syndrome.